The following is an entry in ClinVar:

NM_006567.5(FARS2):c.1212T>A (p.His404Gln)

Gene: FARS2 (phenylalanyl-tRNA synthetase 2, mitochondrial; plus strand). Cytogenetic location: 6p25.1.
Variant type: single nucleotide variant.
Coding change: c.1212T>A on transcript NM_006567.5 (MANE Select); coding-DNA position 1212, T replaced by A.
Protein change: p.His404Gln; replaces histidine 404 with glutamine.
Molecular consequence: missense variant.
Genome position (GRCh38, 1-based): chr6:5,613,315, T>A. VCF-style: chr6-5613315-T-A. GRCh37 (hg19) VCF-style: chr6-5613548-T-A.
Other names: c.1212T>A, p.His404Gln (NM_001318872.2, NM_001374875.1, NM_001374876.1 and 4 more transcripts); c.1080T>A, p.His360Gln (NM_001375258.1); c.516T>A, p.His172Gln (NM_001375259.1, NM_001375260.1); short protein forms H404Q, H172Q, H360Q.
Identifiers: ClinVar variation 660250 (VCV000660250.6), dbSNP rs1582585768, ClinGen allele CA362737070.

ClinVar aggregate classification (germline): Uncertain significance (1 of 4 stars; one submission).

Conditions:
Combined oxidative phosphorylation defect type 14. Also called: Combined oxidative phosphorylation deficiency 14. Identifiers: Orphanet 319519, MedGen C4755312, MONDO:0013986, OMIM 614946.

Allele frequency attached by ClinVar (database versions not stated): gnomAD exomes below 0.00001.
gnomAD v4.1: 1 of 1,611,996 alleles (0.000062%); highest among the groups gnomAD compares: Middle Eastern, 0.017%; no homozygotes.

Submission:

Labcorp Genetics (formerly Invitae), Labcorp
Classification: Uncertain significance for Combined oxidative phosphorylation defect type 14. Last evaluated: 2024-04-10. Review status: criteria provided, single submitter. Criteria: Invitae Variant Classification Sherloc (09022015). Collection method: clinical testing. Allele origin: germline.
Comment: This sequence change replaces histidine, which is basic and polar, with glutamine, which is neutral and polar, at codon 404 of the FARS2 protein (p.His404Gln). This variant is not present in population databases (gnomAD no frequency). This variant has not been reported in the literature in individuals affected with FARS2-related conditions. ClinVar contains an entry for this variant (Variation ID: 660250). Advanced modeling of protein sequence and biophysical properties (such as structural, functional, and spatial information, amino acid conservation, physicochemical variation, residue mobility, and thermodynamic stability) has been performed at Invitae for this missense variant, however the output from this modeling did not meet the statistical confidence thresholds required to predict the impact of this variant on FARS2 protein function. In summary, the available evidence is currently insufficient to determine the role of this variant in disease. Therefore, it has been classified as a Variant of Uncertain Significance.